The following is an entry in ClinVar:

ClinVar aggregate classification (germline): Uncertain significance. Review status: criteria provided, single submitter (1 of 4 stars). 2 submissions from 2 submitters: Uncertain significance (1). 1 of the submissions does not count toward it. Last evaluated 2024-04-25.

Conditions:
Fanconi anemia (FA). Also called: Fanconi's anemia. Identifiers: Orphanet 84, MedGen C0015625, MeSH D005199, MONDO:0019391.
Fanconi anemia complementation group A (FANCA). Also called: Fanconi anemia, group A; FANCA-Related Fanconi Anemia. Identifiers: Orphanet 84, MedGen C3469521, MONDO:0009215, OMIM 227650.

Submissions (2):

Labcorp Genetics (formerly Invitae), Labcorp
Classification: Uncertain significance for Fanconi anemia. Last evaluated: 2024-04-25. Review status: criteria provided, single submitter. Criteria: Invitae Variant Classification Sherloc (09022015). Collection method: clinical testing. Allele origin: germline.
Comment: This sequence change replaces leucine, which is neutral and non-polar, with phenylalanine, which is neutral and non-polar, at codon 1265 of the FANCA protein (p.Leu1265Phe). This variant is not present in population databases (gnomAD no frequency). This missense change has been observed in individual(s) with head and neck squamous cell carcinoma (PMID: 28678401). ClinVar contains an entry for this variant (Variation ID: 557952). Advanced modeling of protein sequence and biophysical properties (such as structural, functional, and spatial information, amino acid conservation, physicochemical variation, residue mobility, and thermodynamic stability) performed at Invitae indicates that this missense variant is expected to disrupt FANCA protein function with a positive predictive value of 80%. In summary, the available evidence is currently insufficient to determine the role of this variant in disease. Therefore, it has been classified as a Variant of Uncertain Significance.

Counsyl
Classification: Uncertain significance for Fanconi anemia complementation group A. Last evaluated: 2018-04-18. Review status: no assertion criteria provided. Collection method: clinical testing. Allele origin: unknown. Not counted in ClinVar's aggregate classification.

Literature cited by the submitters: PubMed 28678401 (cited by Labcorp Genetics (formerly Invitae), Labcorp).

NM_000135.4(FANCA):c.3795G>C (p.Leu1265Phe)

Genes: FANCA (FA complementation group A; minus strand), ZNF276 (zinc finger protein 276; plus strand). Cytogenetic location: 16q24.3.
Variant type: single nucleotide variant.
Coding change: c.3795G>C on transcript NM_000135.4 (MANE Select); coding-DNA position 3795, G replaced by C.
Protein change: p.Leu1265Phe; replaces leucine 1265 with phenylalanine.
Molecular consequence: missense variant. On other transcripts: 3 prime UTR variant (2), non-coding transcript variant (4).
Genome position (GRCh38, 1-based): chr16:89,740,837, C>G on the plus strand (G>C on the coding strand, the complement: FANCA is on the minus strand). VCF-style: chr16-89740837-C-G. GRCh37 (hg19) VCF-style: chr16-89807245-C-G.
Other names: c.3795G>C, p.Leu1265Phe (NM_001286167.3); c.*2591C>G (NM_001113525.2, NM_152287.4); short protein forms L1265F.
Identifiers: ClinVar variation 557952 (VCV000557952.4), dbSNP rs1010989878, ClinGen allele CA397485192.